The following is an entry in ClinVar:

ClinVar aggregate classification (germline): Benign/Likely benign. Review status: criteria provided, multiple submitters, no conflicts (2 of 4 stars). 5 submissions from 5 submitters: Benign (1); Likely benign (4). Last evaluated 2026-01-19.

Conditions:
Primary ciliary dyskinesia 20. Also called: CILIARY DYSKINESIA, PRIMARY, 20, WITH OR WITHOUT SITUS INVERSUS. Identifiers: Orphanet 244, MedGen C3540844, MONDO:0014030, OMIM 615067.
Primary ciliary dyskinesia. Also called: Ciliary dyskinesia. Identifiers: Orphanet 244, MedGen C0008780, MONDO:0016575, HP:0012265.

Allele frequency attached by ClinVar (database versions not stated): 1000 Genomes Project 30x 0.00047; 1000 Genomes Project 0.00060; TOPMed 0.00077; gnomAD 0.00078 and 0.00079; ExAC 0.00082; gnomAD exomes 0.00094 and 0.00095; ESP Exome Variant Server 0.00153.
gnomAD v4.1: 1,440 of 1,551,164 alleles (0.093%); highest among the groups gnomAD compares: Non-Finnish European, 0.1%; 1 homozygote.

Submissions (5):

Labcorp Genetics (formerly Invitae), Labcorp
Classification: Benign for Primary ciliary dyskinesia. Last evaluated: 2026-01-19. Review status: criteria provided, single submitter. Criteria: Invitae Variant Classification Sherloc (09022015). Collection method: clinical testing. Allele origin: germline.

ARUP Laboratories, Molecular Genetics and Genomics, ARUP Laboratories
Classification: Likely benign for Primary ciliary dyskinesia 20. Last evaluated: 2025-06-05. Review status: criteria provided, single submitter. Criteria: ARUP Molecular Germline Variant Investigation Process 2024. Collection method: clinical testing. Allele origin: germline.

Blueprint Genetics
Classification: Likely benign. Last evaluated: 2024-10-30. Review status: criteria provided, single submitter. Criteria: ACMG Guidelines, 2015. Collection method: clinical testing. Allele origin: germline.

CeGaT Center for Human Genetics Tuebingen
Classification: Likely benign. Last evaluated: 2024-08-01. Review status: criteria provided, single submitter. Criteria: CeGaT Center For Human Genetics Tuebingen Variant Classification Criteria Version 2. Collection method: clinical testing. Allele origin: germline. Affected: yes. Observed: 3 variant alleles.
Comment: ODAD1: BP4, BP7

Ambry Genetics
Classification: Likely benign for Primary ciliary dyskinesia. Last evaluated: 2017-02-06. Review status: criteria provided, single submitter. Criteria: Ambry Variant Classification Scheme 2023. Collection method: clinical testing. Allele origin: germline.

NM_001364171.2(ODAD1):c.522G>A (p.Ala174=)

Gene: ODAD1 (outer dynein arm docking complex subunit 1; minus strand). Cytogenetic location: 19q13.33.
Variant type: single nucleotide variant.
Coding change: c.522G>A on transcript NM_001364171.2 (MANE Select); coding-DNA position 522, G replaced by A.
Protein change: p.Ala174=; no amino-acid change (alanine 174 retained).
Molecular consequence: synonymous variant.
Genome position (GRCh38, 1-based): chr19:48,311,628, C>T on the plus strand (G>A on the coding strand, the complement: ODAD1 is on the minus strand). VCF-style: chr19-48311628-C-T. GRCh37 (hg19) VCF-style: chr19-48814885-C-T.
Other names: c.411G>A, p.Ala137= (NM_144577.4).
Identifiers: ClinVar variation 454971 (VCV000454971.40), dbSNP rs200360777, ClinGen allele CA9549033.